The following is an entry in ClinVar:

ClinVar aggregate classification (germline): Uncertain significance (1 of 4 stars; one submission).

Conditions:
Autosomal recessive nonsyndromic hearing loss 8 (DFNB8). Also called: NEUROSENSORY NONSYNDROMIC RECESSIVE DEAFNESS 8; Deafness, autosomal recessive 10. Identifiers: Orphanet 90636, MedGen C1832827, MONDO:0010987, OMIM 601072.

Allele frequency attached by ClinVar (database versions not stated): TOPMed 0.00018; ExAC 0.00020; gnomAD exomes 0.00020; 1000 Genomes Project 30x 0.00109; 1000 Genomes Project 0.00120.
gnomAD v4.1: 57 of 519,026 alleles (0.011%); highest among the groups gnomAD compares: East Asian, 0.27%; no homozygotes.

Submission:

Illumina Laboratory Services, Illumina
Classification: Uncertain significance for Autosomal recessive nonsyndromic hearing loss 8. Last evaluated: 2017-04-28. Review status: criteria provided, single submitter. Criteria: ICSL Variant Classification Criteria 13 December 2019. Collection method: clinical testing. Allele origin: germline.
Comment: This variant was observed as part of a predisposition screen in an ostensibly healthy population. A literature search was performed for the gene, cDNA change, and amino acid change (where applicable). Publications were found based on this search. However, the evidence from the literature, in combination with allele frequency data from public databases where available, was not sufficient to rule this variant in or out of causing disease. Therefore, this variant is classified as a variant of unknown significance.

Literature cited by the submitters: PubMed 23958653.

NM_001256317.3(TMPRSS3):c.-78T>A

Gene: TMPRSS3 (transmembrane serine protease 3; minus strand). Cytogenetic location: 21q22.3.
Variant type: single nucleotide variant.
Coding change: c.-78T>A on transcript NM_001256317.3 (MANE Select); 78 bases upstream of the start codon, T replaced by A.
Molecular consequence: 5 prime UTR variant.
Genome position (GRCh38, 1-based): chr21:42,395,968, A>T on the plus strand (T>A on the coding strand, the complement: TMPRSS3 is on the minus strand). VCF-style: chr21-42395968-A-T. GRCh37 (hg19) VCF-style: chr21-43816077-A-T.
Other names: c.-78T>A (NM_024022.4, NM_032405.2).
Identifiers: ClinVar variation 895619 (VCV000895619.4), dbSNP rs557132994, ClinGen allele CA10042830.